The following is an entry in ClinVar:

ClinVar aggregate classification (germline): Uncertain significance. Review status: criteria provided, multiple submitters, no conflicts (2 of 4 stars). 2 submissions from 2 submitters: Uncertain significance (2). Last evaluated 2026-02-02.

Conditions:
Inborn genetic diseases. Identifiers: MedGen C0950123, MeSH D030342.
Immunodeficiency 104. Also called: SCID, AUTOSOMAL RECESSIVE, T CELL-NEGATIVE, B CELL-POSITIVE, NK CELL-POSITIVE; Severe Combined Immune Deficiency, Autosomal Recessive, TCell -Negative, B Cell-Positive, NK Cell-Positive, IL7R-Related; Severe combined immunodeficiency, autosomal recessive, T cell-negative, B cell-positive, NK cell-positive; IMMUNODEFICIENCY 104, SEVERE COMBINED. Identifiers: MedGen C5676890, MONDO:0012163, OMIM 608971.

Allele frequency attached by ClinVar (database versions not stated): TOPMed 0.00006; ESP Exome Variant Server 0.00015.
gnomAD v4.1: 59 of 1,612,820 alleles (0.0037%); highest among the groups gnomAD compares: Non-Finnish European, 0.0048%; no homozygotes.

Submissions (2):

Labcorp Genetics (formerly Invitae), Labcorp
Classification: Uncertain significance for Immunodeficiency 104. Last evaluated: 2026-02-02. Review status: criteria provided, single submitter. Criteria: Invitae Variant Classification Sherloc (09022015). Collection method: clinical testing. Allele origin: germline.
Comment: This sequence change replaces valine, which is neutral and non-polar, with phenylalanine, which is neutral and non-polar, at codon 596 of the PTPRC protein (p.Val596Phe). This variant is present in population databases (rs150416673, gnomAD 0.008%). This variant has not been reported in the literature in individuals affected with PTPRC-related conditions. ClinVar contains an entry for this variant (Variation ID: 1017759). An algorithm developed to predict the effect of missense changes on protein structure and function outputs the following: PolyPhen-2: "Benign". The phenylalanine amino acid residue is found in multiple mammalian species, which suggests that this missense change does not adversely affect protein function. In summary, the available evidence is currently insufficient to determine the role of this variant in disease. Therefore, it has been classified as a Variant of Uncertain Significance.

Ambry Genetics
Classification: Uncertain significance for Inborn genetic diseases. Last evaluated: 2022-06-24. Review status: criteria provided, single submitter. Criteria: Ambry Variant Classification Scheme 2023. Collection method: clinical testing. Allele origin: germline.

NM_002838.5(PTPRC):c.1786G>T (p.Val596Phe)

Gene: PTPRC (protein tyrosine phosphatase receptor type C; plus strand). Cytogenetic location: 1q32.1.
Variant type: single nucleotide variant.
Coding change: c.1786G>T on transcript NM_002838.5 (MANE Select); coding-DNA position 1786, G replaced by T.
Protein change: p.Val596Phe; replaces valine 596 with phenylalanine.
Molecular consequence: missense variant.
Genome position (GRCh38, 1-based): chr1:198,728,405, G>T. VCF-style: chr1-198728405-G-T. GRCh37 (hg19) VCF-style: chr1-198697534-G-T.
Other names: c.1780G>T (NM_002838.3); c.1303G>T, p.Val435Phe (NM_080921.4); short protein forms V435F, V596F.
Identifiers: ClinVar variation 1017759 (VCV001017759.9), dbSNP rs150416673, ClinGen allele CA1314895.